The following is an entry in ClinVar:

NM_181426.2(CCDC39):c.2350C>T (p.Gln784Ter)

Genes: CCDC39 (coiled-coil domain 39 molecular ruler complex subunit; minus strand), TTC14 (tetratricopeptide repeat domain 14; plus strand). Cytogenetic location: 3q26.33.
Variant type: single nucleotide variant.
Coding change: c.2350C>T on transcript NM_181426.2 (MANE Select); coding-DNA position 2350, C replaced by T.
Protein change: p.Gln784Ter; replaces glutamine 784 with a stop codon.
Molecular consequence: nonsense. On other transcripts: intron variant (1).
Genome position (GRCh38, 1-based): chr3:180,616,882, G>A on the plus strand (C>T on the coding strand, the complement: CCDC39 is on the minus strand). VCF-style: chr3-180616882-G-A. GRCh37 (hg19) VCF-style: chr3-180334670-G-A.
Other names: c.1775-498G>A (NM_001288582.2); short protein forms Q784*.
Identifiers: ClinVar variation 1388230 (VCV001388230.6), dbSNP rs2108404522, ClinGen allele CA355305622.
Genomic context (GRCh38, chr3:180,616,882, plus strand): 5'-ATACCTGTTTGGTCACTCTTTCTAATTTTGGCTTCTGCTCCTCCGTTTCTTTACTTAGTT[G>A]AAATGAATAAGCCTGCTTCTCTGATAACTTTTCTTTAACATTATTTGCCAAATGTTCTAT-3'

ClinVar aggregate classification (germline): Pathogenic (1 of 4 stars; one submission).

Conditions:
Primary ciliary dyskinesia. Also called: Ciliary dyskinesia. Identifiers: Orphanet 244, MedGen C0008780, MONDO:0016575, HP:0012265.

Submission:

Labcorp Genetics (formerly Invitae), Labcorp
Classification: Pathogenic for Primary ciliary dyskinesia. Last evaluated: 2023-08-24. Review status: criteria provided, single submitter. Criteria: Invitae Variant Classification Sherloc (09022015). Collection method: clinical testing. Allele origin: germline.
Comment: For these reasons, this variant has been classified as Pathogenic. ClinVar contains an entry for this variant (Variation ID: 1388230). This variant has not been reported in the literature in individuals affected with CCDC39-related conditions. This variant is not present in population databases (gnomAD no frequency). This sequence change creates a premature translational stop signal (p.Gln784*) in the CCDC39 gene. It is expected to result in an absent or disrupted protein product. Loss-of-function variants in CCDC39 are known to be pathogenic (PMID: 21131972, 23255504).

Literature cited by the submitters: PubMed 21131972; PubMed 23255504.